The following is an entry in ClinVar:

ClinVar aggregate classification (germline): Uncertain significance (1 of 4 stars; one submission).

Conditions:
RYR1-related disorder. Also called: RYR1-related condition; RYR1-related disorders. Identifiers: MedGen CN239331.

Submission:

Labcorp Genetics (formerly Invitae), Labcorp
Classification: Uncertain significance for RYR1-related disorder. Last evaluated: 2023-07-31. Review status: criteria provided, single submitter. Criteria: Invitae Variant Classification Sherloc (09022015). Collection method: clinical testing. Allele origin: germline.
Comment: In summary, the available evidence is currently insufficient to determine the role of this variant in disease. Therefore, it has been classified as a Variant of Uncertain Significance. This variant is not present in population databases (gnomAD no frequency). This variant has not been reported in the literature in individuals affected with RYR1-related conditions. Advanced modeling of protein sequence and biophysical properties (such as structural, functional, and spatial information, amino acid conservation, physicochemical variation, residue mobility, and thermodynamic stability) performed at Invitae indicates that this missense variant is expected to disrupt RYR1 protein function. This sequence change replaces leucine, which is neutral and non-polar, with histidine, which is basic and polar, at codon 3405 of the RYR1 protein (p.Leu3405His).

NM_000540.3(RYR1):c.10214T>A (p.Leu3405His)

Gene: RYR1 (ryanodine receptor 1; plus strand). Cytogenetic location: 19q13.2.
Variant type: single nucleotide variant.
Coding change: c.10214T>A on transcript NM_000540.3 (MANE Select); coding-DNA position 10214, T replaced by A.
Protein change: p.Leu3405His; replaces leucine 3405 with histidine.
Molecular consequence: missense variant.
Genome position (GRCh38, 1-based): chr19:38,519,409, T>A. VCF-style: chr19-38519409-T-A. GRCh37 (hg19) VCF-style: chr19-39010049-T-A.
Other names: c.10214T>A, p.Leu3405His (NM_001042723.2); short protein forms L3405H.
Identifiers: ClinVar variation 2813512 (VCV002813512.3), dbSNP rs2514444283, ClinGen allele CA405696504.